The following is an entry in ClinVar:

NM_003482.4(KMT2D):c.8107_8109del (p.Glu2703del)

Gene: KMT2D (lysine methyltransferase 2D; minus strand). Cytogenetic location: 12q13.12.
Variant type: Deletion.
Coding change: c.8107_8109del on transcript NM_003482.4 (MANE Select); coding-DNA positions 8107 to 8109, 3 bases deleted (GAG; older notation c.8107_8109delGAG).
Protein change: p.Glu2703del; deletes glutamic acid 2703.
Molecular consequence: inframe deletion.
Genome position (GRCh38, 1-based): chr12:49,039,555-49,039,557, CTC deleted on the plus strand (GAG on the coding strand, the reverse complement: KMT2D is on the minus strand); deleting any 3 consecutive bases within chr12:49,039,555-49,039,559 gives the same sequence; the c. name uses the placement nearest the transcript's 3' end. VCF-style (leftmost placement, unchanged base first): chr12-49039554-TCTC-T. GRCh37 (hg19) VCF-style: chr12-49433337-TCTC-T.
Other names: c.8107_8109delGAG (NM_003482.3); short protein forms E2703del.
Identifiers: ClinVar variation 1350831 (VCV001350831.31), dbSNP rs771294848, ClinGen allele CA6546913.
Genomic context (GRCh38, chr12:49,039,554, plus strand): 5'-GCTCAGCACCCCAGCTGCCTGGAGGCCCCACTGCTCCTGCAGCTGCTGCAGCTGTTTCCT[TCTC>T]CTGCCGCAGGGTGTTGCGCTGGATCTGCTGCCGAATCAGCAGCTCTCGTAGTCGCTGGCG-3'

ClinVar aggregate classification (germline): Conflicting classifications of pathogenicity. Review status: criteria provided, conflicting classifications (1 of 4 stars). 4 submissions from 4 submitters: Uncertain significance (3); Likely benign (1). Last evaluated 2026-05-25.

Conditions:
KMT2D-related disorder. Also called: KMT2D-Related Disorders.
Kabuki syndrome. Also called: Kabuki make-up syndrome; NIIKAWA-KUROKI SYNDROME. Identifiers: Orphanet 2322, MedGen C0796004, MONDO:0016512.

Submissions (4):

PreventionGenetics, part of Exact Sciences
Classification: Uncertain significance for KMT2D-related condition. Last evaluated: 2026-05-25. Review status: criteria provided, single submitter. Criteria: ACMG Guidelines, 2015. Collection method: clinical testing. Allele origin: germline.
Comment: The KMT2D c.8107_8109delGAG variant is predicted to result in an in-frame deletion (p.Glu2703del). To our knowledge, this variant has not been reported in the literature. This variant is reported in 0.0024% of alleles in individuals of European (Non-Finnish) descent in gnomAD. This variant could be benign. At this time, the clinical significance of this variant is uncertain due to the absence of conclusive functional and genetic evidence.

Labcorp Genetics (formerly Invitae), Labcorp
Classification: Uncertain significance for Kabuki syndrome. Last evaluated: 2026-01-06. Review status: criteria provided, single submitter. Criteria: Invitae Variant Classification Sherloc (09022015). Collection method: clinical testing. Allele origin: germline.
Comment: This variant, c.8107_8109del, results in the deletion of 1 amino acid(s) of the KMT2D protein (p.Glu2703del), but otherwise preserves the integrity of the reading frame. This variant is present in population databases (rs771294848, gnomAD 0.002%). This variant has not been reported in the literature in individuals affected with KMT2D-related conditions. ClinVar contains an entry for this variant (Variation ID: 1350831). Experimental studies and prediction algorithms are not available or were not evaluated, and the functional significance of this variant is currently unknown. In summary, the available evidence is currently insufficient to determine the role of this variant in disease. Therefore, it has been classified as a Variant of Uncertain Significance.

CeGaT Center for Human Genetics Tuebingen
Classification: Likely benign. Last evaluated: 2023-12-01. Review status: criteria provided, single submitter. Criteria: CeGaT Center For Human Genetics Tuebingen Variant Classification Criteria Version 2. Collection method: clinical testing. Allele origin: germline. Affected: yes. Observed: 1 variant allele.
Comment: KMT2D: PM4:Supporting, BS2

Blueprint Genetics
Classification: Uncertain significance. Last evaluated: 2022-07-15. Review status: criteria provided, single submitter. Criteria: ACMG Guidelines, 2015. Collection method: clinical testing. Allele origin: germline.